The following is an entry in ClinVar:

NM_145262.4(GLYCTK):c.1340dup (p.Leu447fs)

Gene: GLYCTK (glycerate kinase; plus strand). Cytogenetic location: 3p21.2.
Variant type: Duplication.
Coding change: c.1340dup on transcript NM_145262.4 (MANE Select); coding-DNA position 1340, one base duplicated (T; older notation c.1340dupT).
Protein change: p.Leu447fs; shifts the reading frame from leucine 447.
Molecular consequence: frameshift variant. On other transcripts: 3 prime UTR variant (1), non-coding transcript variant (2).
Genome position (GRCh38, 1-based): chr3:52,292,894, T duplicated; the last of 5 consecutive T bases (chr3:52,292,890-52,292,894); duplicating any one gives the same sequence. VCF-style (leftmost placement, unchanged base first): chr3-52292889-G-GT. GRCh37 (hg19) VCF-style: chr3-52326905-G-GT.
Other names: p.Leu447Phefs*22; c.*459dup (NM_001144951.2); c.1340dupT (NM_145262.4); short protein forms L447fs.
Identifiers: ClinVar variation 1321649 (VCV001321649.4), dbSNP rs769748483, ClinGen allele CA2432302.

ClinVar aggregate classification (germline): Conflicting classifications of pathogenicity. Review status: criteria provided, conflicting classifications (1 of 4 stars). 3 submissions from 3 submitters: Likely pathogenic (2); Uncertain significance (1). Last evaluated 2026-08-05.

Conditions:
D-Glyceric aciduria. Also called: GLYCERATE KINASE DEFICIENCY; Deficiency of glycerate kinase. Identifiers: Orphanet 941, MedGen C0342765, MONDO:0009070, OMIM 220120.

Submissions (3):

Department of Molecular Genetics, Istishari Arab Hospital
Classification: Likely pathogenic for D-Glyceric aciduria. Last evaluated: 2026-08-05. Review status: criteria provided, single submitter. Criteria: ACMG Guidelines, 2015. Collection method: clinical testing. Allele origin: germline. Inheritance: Autosomal recessive inheritance. Affected: yes.
Comment: The GLYCTK variant c.1340dup, p.Leu447Phefs*22 creates a shift in the reading frame starting at codon 447 in exon 5 (out of 5 exons). The new reading frame ends in a stop codon 22 positions downstream, predicted to cause a truncation of the encoded protein. The resulting transcript is not expected to undergo nonsense-mediated decay since the variant is located in the last exon. However, several pathogenic or likely pathogenic variants affecting residues downstream of this position have been submitted to ClinVar, supporting the functional importance of the affected C-terminal region. The variant is observed with very low frequency in the gnomAD v4.1.0 dataset, and to the best of our knowledge, it was not previously reported in the literature. It is classified as likely pathogenic according to the recommendations of ACMG/AMP/ClinGen SVI guidelines.

Women's Health and Genetics/Laboratory Corporation of America, LabCorp
Classification: Uncertain significance. Last evaluated: 2024-10-30. Review status: criteria provided, single submitter. Criteria: LabCorp Variant Classification Summary - May 2015. Collection method: clinical testing. Allele origin: germline.
Comment: Variant summary: GLYCTK c.1340dupT (p.Leu447PhefsX22) results in a premature termination codon, predicted to cause a truncation of the encoded protein or absence of the protein due to nonsense mediated decay, however current evidence is not sufficient to establish loss of function as a mechanism for disease. The variant allele was found at a frequency of 1.2e-05 in 251234 control chromosomes. The available data on variant occurrences in the general population are insufficient to allow any conclusion about variant significance. To our knowledge, no occurrence of c.1340dupT in individuals affected with D-Glyceric Aciduria and no experimental evidence demonstrating its impact on protein function have been reported. ClinVar contains an entry for this variant (Variation ID: 1321649). Based on the evidence outlined above, the variant was classified as uncertain significance.

GeneDx
Classification: Likely pathogenic. Last evaluated: 2021-11-12. Review status: criteria provided, single submitter. Criteria: GeneDx Variant Classification Process June 2021. Collection method: clinical testing. Allele origin: germline. Affected: yes.
Comment: Frameshift variant predicted to result in protein truncation, as the last 77 amino acids are replaced with 21 different amino acids, and other loss-of-function variants have been reported downstream in the Human Gene Mutation Database (Stenson et al., 2014); Not observed at significant frequency in large population cohorts (Lek et al., 2016); Has not been previously published as pathogenic or benign to our knowledge